The following is an entry in ClinVar:

NM_007194.4(CHEK2):c.609T>G (p.Asp203Glu)

Gene: CHEK2 (checkpoint kinase 2; minus strand). Cytogenetic location: 22q12.1.
Variant type: single nucleotide variant.
Coding change: c.609T>G on transcript NM_007194.4 (MANE Select); coding-DNA position 609, T replaced by G.
Protein change: p.Asp203Glu; replaces aspartic acid 203 with glutamic acid.
Molecular consequence: missense variant. On other transcripts: 5 prime UTR variant (2), intron variant (1).
Genome position (GRCh38, 1-based): chr22:28,719,469, A>C on the plus strand (T>G on the coding strand, the complement: CHEK2 is on the minus strand). VCF-style: chr22-28719469-A-C. GRCh37 (hg19) VCF-style: chr22-29115457-A-C.
Other names: c.702T>G, p.Asp234Glu (NM_001438295.1, NM_001438293.1); c.738T>G, p.Asp246Glu (NM_001438294.1, NM_001005735.3); c.-55T>G (NM_001257387.3, NM_001437942.1); c.609T>G, p.Asp203Glu (NM_145862.3); c.482+5417T>G (NM_001349956.3); short protein forms D203E, D246E, D234E.
Identifiers: ClinVar variation 141190 (VCV000141190.4), dbSNP rs587781563, ClinGen allele CA164717.

ClinVar aggregate classification (germline): Uncertain significance. Review status: criteria provided, multiple submitters, no conflicts (2 of 4 stars). 2 submissions from 2 submitters: Uncertain significance (2). Last evaluated 2017-10-20.

Conditions:
Hereditary cancer-predisposing syndrome. Also called: Neoplastic Syndromes, Hereditary; Tumor predisposition; Hereditary Cancer Syndrome; Hereditary neoplastic syndrome. Identifiers: Orphanet 140162, MedGen C0027672, MeSH D009386, MONDO:0015356.

Submissions (2):

Women's Health and Genetics/Laboratory Corporation of America, LabCorp
Classification: Uncertain significance. Last evaluated: 2017-10-20. Review status: criteria provided, single submitter. Criteria: LabCorp Variant Classification Summary - May 2015. Collection method: clinical testing. Allele origin: germline.
Comment: Variant summary: The CHEK2 variant, c.609T>G (p.Asp203Glu) causes a missense change involving a non-conserved nucleotide and 3/4 in silico tools predict benign outcome (SNPSandGO not captured here due to low reliability index). However, no functional studies supporting these predictions were published at the time of evaluation. The variant is indicated to not be located in a known functional domain (via InterPro). The c.609T>G is absent from the control population datasets of ExAC and gnomAD (53922 and 212176 chromosomes tested, respectively). To our knowledge, the variant has not been reported in affected individuals via published reports, but is cited as VUS by a clinical diagnostic laboratoru. Taken together, the variant has been classified as a "Variant of Uncertain Significance (VUS)," until additional information becomes available.

Ambry Genetics
Classification: Uncertain significance for Hereditary cancer-predisposing syndrome. Last evaluated: 2013-10-29. Review status: criteria provided, single submitter. Criteria: Ambry Autosomal Dominant and X-Linked criteria (10/2015). Collection method: clinical testing. Allele origin: germline. Observed: 1 variant allele.
Comment: The p.D203E variant (also known as c.609T>G) is located in coding exon 4 of the CHEK2 gene. This alteration results from a T to G substitution at nucleotide position 609. The aspartic acid at codon 203 is replaced by glutamic acid, an amino acid with highly similar properties. No population frequency information could be foundin the following databases: Database of Single Nucleotide Polymorphisms (dbSNP), NHLBI Exome Sequencing Project (ESP) and 1000 Genomes Project.To date, this alteration has been detected with an allele frequency of approximately 0.01% (greater than 8000 alleles tested) in our clinical cohort (includes this individual). Based on protein sequence alignment, this amino acid position is completely conserved in available vertebrate species. However, this alteration is predicted to be benign and tolerated by PolyPhen and SIFT in silico analyses, respectively. Since supporting evidence is limited at this time, the clinical significance of p.D203E remains unclear.